The following is an entry in ClinVar:

NM_005560.6(LAMA5):c.3964G>A (p.Gly1322Ser)

Gene: LAMA5 (laminin subunit alpha 5; minus strand). Cytogenetic location: 20q13.33.
Variant type: single nucleotide variant.
Coding change: c.3964G>A on transcript NM_005560.6 (MANE Select); coding-DNA position 3964, G replaced by A.
Protein change: p.Gly1322Ser; replaces glycine 1322 with serine.
Molecular consequence: missense variant.
Genome position (GRCh38, 1-based): chr20:62,330,503, C>T on the plus strand (G>A on the coding strand, the complement: LAMA5 is on the minus strand). VCF-style: chr20-62330503-C-T. GRCh37 (hg19) VCF-style: chr20-60905559-C-T.
Other names: short protein forms G1322S.
Identifiers: ClinVar variation 2149451 (VCV002149451.1), dbSNP rs150741810, ClinGen allele CA9942796.

ClinVar aggregate classification (germline): Uncertain significance (1 of 4 stars; one submission).

Allele frequency attached by ClinVar (database versions not stated): TOPMed 0.00031; ExAC 0.00035; gnomAD 0.00035; ESP Exome Variant Server 0.00039; gnomAD exomes 0.00053.
gnomAD v4.1: 792 of 1,559,246 alleles (0.051%); highest among the groups gnomAD compares: Non-Finnish European, 0.061%; no homozygotes.

Submission:

Labcorp Genetics (formerly Invitae), Labcorp
Classification: Uncertain significance. Last evaluated: 2022-08-19. Review status: criteria provided, single submitter. Criteria: Invitae Variant Classification Sherloc (09022015). Collection method: clinical testing. Allele origin: germline.
Comment: This sequence change replaces glycine, which is neutral and non-polar, with serine, which is neutral and polar, at codon 1322 of the LAMA5 protein (p.Gly1322Ser). This variant is present in population databases (rs150741810, gnomAD 0.08%). This variant has not been reported in the literature in individuals affected with LAMA5-related conditions. Algorithms developed to predict the effect of missense changes on protein structure and function are either unavailable or do not agree on the potential impact of this missense change (SIFT: "Tolerated"; PolyPhen-2: "Probably Damaging"; Align-GVGD: "Class C0"). In summary, the available evidence is currently insufficient to determine the role of this variant in disease. Therefore, it has been classified as a Variant of Uncertain Significance.